The following is an entry in ClinVar:

ClinVar aggregate classification (germline): Uncertain significance (1 of 4 stars; one submission).

Submission:

CeGaT Center for Human Genetics Tuebingen
Classification: Uncertain significance. Last evaluated: 2023-12-01. Review status: criteria provided, single submitter. Criteria: CeGaT Center For Human Genetics Tuebingen Variant Classification Criteria Version 2. Collection method: clinical testing. Allele origin: germline. Affected: yes. Observed: 2 variant alleles.
Comment: CACNA1A: PM2, PM5, PP2

NM_001127222.2(CACNA1A):c.4247G>T (p.Cys1416Phe)

Genes: CACNA1A (calcium voltage-gated channel subunit alpha1 A; minus strand), LOC126862864 (MED14-independent group 3 enhancer GRCh37_chr19:13371552-13372751; plus strand). Cytogenetic location: 19p13.13.
Variant type: single nucleotide variant.
Coding change: c.4247G>T on transcript NM_001127222.2 (MANE Select); coding-DNA position 4247, G replaced by T.
Protein change: p.Cys1416Phe; replaces cysteine 1416 with phenylalanine.
Molecular consequence: missense variant.
Genome position (GRCh38, 1-based): chr19:13,261,453, C>A on the plus strand (G>T on the coding strand, the complement: CACNA1A is on the minus strand). VCF-style: chr19-13261453-C-A. GRCh37 (hg19) VCF-style: chr19-13372267-C-A.
Other names: c.4259G>T, p.Cys1420Phe (NM_000068.4, NM_023035.3); c.4250G>T, p.Cys1417Phe (NM_001127221.2, NM_001174080.2); short protein forms C1416F, C1417F, C1420F.
Identifiers: ClinVar variation 3026943 (VCV003026943.22), dbSNP rs2512759150, ClinGen allele CA404339526.